The following is an entry in ClinVar:

NM_001267550.2(TTN):c.18173G>A (p.Arg6058His)

Genes: TTN (titin; minus strand), LOC126806430 (BRD4-independent group 4 enhancer GRCh37_chr2:179593794-179594993; plus strand). Cytogenetic location: 2q31.2.
Variant type: single nucleotide variant.
Coding change: c.18173G>A on transcript NM_001267550.2 (MANE Select); coding-DNA position 18173, G replaced by A.
Protein change: p.Arg6058His; replaces arginine 6058 with histidine.
Molecular consequence: missense variant. On other transcripts: intron variant (3).
Genome position (GRCh38, 1-based): chr2:178,730,227, C>T on the plus strand (G>A on the coding strand, the complement: TTN is on the minus strand). VCF-style: chr2-178730227-C-T. GRCh37 (hg19) VCF-style: chr2-179594954-C-T.
Other names: p.Arg5741His; c.14441G>A, p.Arg4814His (NM_133378.4); c.17222G>A, p.Arg5741His (NM_001256850.1); c.13282+7855G>A (NM_003319.4); c.13858+7855G>A (NM_133437.4); c.13657+7855G>A (NM_133432.3); short protein forms R6058H, R4814H, R5741H.
Identifiers: ClinVar variation 46636 (VCV000046636.32), dbSNP rs376012117, ClinGen allele CA138816.
Genomic context (GRCh38, chr2:178,730,227, plus strand): 5'-TCGGTAGCTTTGGCTGCAAAGAGCTCTAGACTGGTAGAGGTGTCATCCTTCCAAACTGAG[C>T]GGGCTGCTCCTGAGTGTAACTCTTTGTTATCTTTAAACCACTTTATTGTCATGGGTGCAG-3'
Protein context (NP_001254479.2, residues 6048-6068): DNKELHSGAA[Arg6058His]SVWKDDTSTS

ClinVar aggregate classification (germline): Conflicting classifications of pathogenicity. Review status: criteria provided, conflicting classifications (1 of 4 stars). 4 submissions from 4 submitters: Uncertain significance (3); Likely benign (1). Last evaluated 2025-09-01.

Conditions:
Dilated cardiomyopathy 1G (CMD1G). Identifiers: Orphanet 154, MedGen C1858763, MONDO:0011400, OMIM 604145.
Autosomal recessive limb-girdle muscular dystrophy type 2J (LGMDR10). Also called: Limb-girdle muscular dystrophy, type 2J; MUSCULAR DYSTROPHY, LIMB-GIRDLE, AUTOSOMAL RECESSIVE 10. Identifiers: Orphanet 140922, MedGen C1837342, MONDO:0012127, OMIM 608807.

Allele frequency attached by ClinVar (database versions not stated): TOPMed 0.00001; gnomAD 0.00004.
gnomAD v4.1: 58 of 1,613,334 alleles (0.0036%); highest among the groups gnomAD compares: East Asian, 0.0045%; no homozygotes.

Submissions (4):

CeGaT Center for Human Genetics Tuebingen
Classification: Uncertain significance. Last evaluated: 2025-09-01. Review status: criteria provided, single submitter. Criteria: CeGaT Center For Human Genetics Tuebingen Variant Classification Criteria Version 2. Collection method: clinical testing. Allele origin: germline. Affected: yes. Observed: 2 variant alleles.
Comment: TTN: PM2, BP4

Mayo Clinic Laboratories, Mayo Clinic
Classification: Likely benign. Last evaluated: 2025-01-20. Review status: criteria provided, single submitter. Criteria: ACMG Guidelines, 2015. Collection method: clinical testing. Allele origin: germline. Observed: 1 variant allele.
Comment: BS1, BP4

Labcorp Genetics (formerly Invitae), Labcorp
Classification: Uncertain significance for Dilated cardiomyopathy 1G; Autosomal recessive limb-girdle muscular dystrophy type 2J. Last evaluated: 2016-01-30. Review status: criteria provided, single submitter. Criteria: Invitae Variant Classification Sherloc (09022015). Collection method: clinical testing. Allele origin: germline.

Laboratory for Molecular Medicine, Mass General Brigham Personalized Medicine
Classification: Uncertain significance. Last evaluated: 2013-01-23. Review status: criteria provided, single submitter. Criteria: LMM Criteria. Collection method: clinical testing. Allele origin: germline. Observed: 1 variant allele.
Comment: The Arg4814His variant in TTN has not been reported in the literature nor previo usly identified by our laboratory. This variant has also not been identified in large and broad European American and African American populations by the NHLBI Exome Sequencing Project, though it may be co mmon in other populations. Computational analyses (biochemical amino acid proper ties, conservation, AlignGVGD, PolyPhen2, and SIFT) do not provide strong suppor t for or against an impact to the protein. In summary, additional information is needed to fully assess the clinical significance of this variant.